The following is an entry in ClinVar:

NM_000016.6(ACADM):c.746G>A (p.Gly249Glu)

Gene: ACADM (acyl-CoA dehydrogenase medium chain; plus strand). Cytogenetic location: 1p31.1.
Variant type: single nucleotide variant.
Coding change: c.746G>A on transcript NM_000016.6 (MANE Select); coding-DNA position 746, G replaced by A.
Protein change: p.Gly249Glu; replaces glycine 249 with glutamic acid.
Molecular consequence: missense variant.
Genome position (GRCh38, 1-based): chr1:75,749,456, G>A. VCF-style: chr1-75749456-G-A. GRCh37 (hg19) VCF-style: chr1-76215141-G-A.
Other names: c.758G>A, p.Gly253Glu (NM_001127328.3); c.638G>A, p.Gly213Glu (NM_001286042.2); c.845G>A, p.Gly282Glu (NM_001286043.2); c.179G>A, p.Gly60Glu (NM_001286044.2); short protein forms G213E, G60E, G249E, G253E, G282E.
Identifiers: ClinVar variation 1419433 (VCV001419433.8), dbSNP rs1648077584, ClinGen allele CA340816582.
Genomic context (GRCh38, chr1:75,749,456, plus strand): 5'-AAATATATCAATTTTCTTATTAGGAATTAAACATGGGCCAGCGATGTTCAGATACTAGAG[G>A]AATTGTCTTCGAAGATGTGAAAGTGCCTAAAGAAAATGTTTTAATTGGTGACGGAGCTGG-3'
Protein context (NP_000007.1, residues 239-259): NMGQRCSDTR[Gly249Glu]IVFEDVKVPK

ClinVar aggregate classification (germline): Uncertain significance (1 of 4 stars; one submission).

Conditions:
Medium-chain acyl-coenzyme A dehydrogenase deficiency (ACADMD). Also called: CARNITINE DEFICIENCY SECONDARY TO MEDIUM-CHAIN ACYL-CoA DEHYDROGENASE DEFICIENCY; MCADD; MCADH DEFICIENCY; Medium chain acyl-CoA dehydrogenase deficiency; MCAD Deficiency; ACADM DEFICIENCY. Identifiers: Orphanet 42, MedGen C0220710, MONDO:0008721, OMIM 201450.

Allele frequency attached by ClinVar (database versions not stated): gnomAD exomes below 0.00001; TOPMed below 0.00001.
gnomAD v4.1: 2 of 1,613,974 alleles (0.00012%); highest among the groups gnomAD compares: Non-Finnish European, 0.00017%; no homozygotes.

Submission:

Labcorp Genetics (formerly Invitae), Labcorp
Classification: Uncertain significance for Medium-chain acyl-coenzyme A dehydrogenase deficiency. Last evaluated: 2024-04-16. Review status: criteria provided, single submitter. Criteria: Invitae Variant Classification Sherloc (09022015). Collection method: clinical testing. Allele origin: germline.
Comment: This sequence change replaces glycine, which is neutral and non-polar, with glutamic acid, which is acidic and polar, at codon 249 of the ACADM protein (p.Gly249Glu). This variant is not present in population databases (gnomAD no frequency). This variant has not been reported in the literature in individuals affected with ACADM-related conditions. ClinVar contains an entry for this variant (Variation ID: 1419433). Advanced modeling of protein sequence and biophysical properties (such as structural, functional, and spatial information, amino acid conservation, physicochemical variation, residue mobility, and thermodynamic stability) performed at Invitae indicates that this missense variant is not expected to disrupt ACADM protein function with a negative predictive value of 80%. In summary, the available evidence is currently insufficient to determine the role of this variant in disease. Therefore, it has been classified as a Variant of Uncertain Significance.